The following is an entry in ClinVar:

NM_014989.7(RIMS1):c.3796C>T (p.Arg1266Cys)

Gene: RIMS1 (regulating synaptic membrane exocytosis 1; plus strand). Cytogenetic location: 6q13.
Variant type: single nucleotide variant.
Coding change: c.3796C>T on transcript NM_014989.7 (MANE Select); coding-DNA position 3796, C replaced by T.
Protein change: p.Arg1266Cys; replaces arginine 1266 with cysteine.
Molecular consequence: missense variant.
Genome position (GRCh38, 1-based): chr6:72,291,992, C>T. VCF-style: chr6-72291992-C-T. GRCh37 (hg19) VCF-style: chr6-73001695-C-T.
Other names: c.1531C>T, p.Arg511Cys (NM_001350419.2, NM_001350444.2, NM_001350423.2); c.1870C>T, p.Arg624Cys (NM_001350420.2); c.1615C>T, p.Arg539Cys (NM_001350421.2, NM_001350450.2); c.1684C>T, p.Arg562Cys (NM_001350441.2, NM_001350443.2, NM_001350425.2 and 1 more transcripts); c.1942C>T, p.Arg648Cys (NM_001350442.2, NM_001350446.2); c.1840C>T, p.Arg614Cys (NM_001350445.2, NM_001350415.2); c.1756C>T, p.Arg586Cys (NM_001350422.2, NM_001168407.2); c.1618C>T, p.Arg540Cys (NM_001350424.2, NM_001350459.2); and 31 more; short protein forms R1266C, R482C, R511C, R535C, R540C, R566C, R567C, R569C.
Identifiers: ClinVar variation 3015538 (VCV003015538.3), dbSNP rs1359398086, ClinGen allele CA364689648.

ClinVar aggregate classification (germline): Uncertain significance (1 of 4 stars; one submission).

Allele frequency attached by ClinVar (database versions not stated): gnomAD exomes below 0.00001.
gnomAD v4.1: 5 of 1,564,370 alleles (0.00032%); highest among the groups gnomAD compares: South Asian, 0.0012%; no homozygotes.

Submission:

Labcorp Genetics (formerly Invitae), Labcorp
Classification: Uncertain significance. Last evaluated: 2025-01-29. Review status: criteria provided, single submitter. Criteria: Invitae Variant Classification Sherloc (09022015). Collection method: clinical testing. Allele origin: germline.
Comment: This sequence change replaces arginine, which is basic and polar, with cysteine, which is neutral and slightly polar, at codon 1266 of the RIMS1 protein (p.Arg1266Cys). This variant is not present in population databases (gnomAD no frequency). This variant has not been reported in the literature in individuals affected with RIMS1-related conditions. ClinVar contains an entry for this variant (Variation ID: 3015538). An algorithm developed to predict the effect of missense changes on protein structure and function (PolyPhen-2) suggests that this variant is likely to be disruptive. In summary, the available evidence is currently insufficient to determine the role of this variant in disease. Therefore, it has been classified as a Variant of Uncertain Significance.